The following is an entry in ClinVar:

NM_000329.3(RPE65):c.886dup (p.Arg296fs)

Gene: RPE65 (retinoid isomerohydrolase RPE65; minus strand). Cytogenetic location: 1p31.3.
Variant type: Duplication.
Coding change: c.886dup on transcript NM_000329.3 (MANE Select); coding-DNA position 886, one base duplicated (A; older notation c.886dupA).
Protein change: p.Arg296fs; shifts the reading frame from arginine 296.
Molecular consequence: frameshift variant.
Genome position (GRCh38, 1-based): chr1:68,439,054, T duplicated on the plus strand (A on the coding strand, the reverse complement: RPE65 is on the minus strand); the first of 7 consecutive T bases (chr1:68,439,054-68,439,060); duplicating any one gives the same sequence. VCF-style (leftmost placement, unchanged base first): chr1-68439053-C-CT. GRCh37 (hg19) VCF-style: chr1-68904736-C-CT.
Other names: NM_000329.3(RPE65):c.886dup; p.Arg296fs; c.886dupA (NM_000329.2); short protein forms R296fs.
Identifiers: ClinVar variation 1070755 (VCV001070755.34), dbSNP rs746127684, ClinGen allele CA902351.

ClinVar aggregate classification (germline): Pathogenic. Review status: reviewed by expert panel (3 of 4 stars). 7 submissions from 7 submitters: Pathogenic (1). 6 of the submissions do not count toward it. Last evaluated 2023-12-22.

Conditions:
RPE65-related recessive retinopathy. Also called: Recessive RPE65 retinopathy. Identifiers: MedGen CN305526, MONDO:0100368.
Retinitis pigmentosa 87 with choroidal involvement. Identifiers: MedGen C5231465, MONDO:0032873, OMIM 618697.
Leber congenital amaurosis 2 (LCA2). Also called: AMAUROSIS CONGENITA OF LEBER II; Autosomal Recessive RPE65-Related Retinal Degeneration. Identifiers: Orphanet 65, MedGen C1859844, MONDO:0008765, OMIM 204100. Disease mechanism: loss of function.
Retinitis pigmentosa 20 (RP20). Identifiers: Orphanet 791, MedGen C3151086, MONDO:0013425, OMIM 613794.
RPE65-related disorder. Also called: RPE65-related condition; RPE65-related disorders. Identifiers: MedGen CN239301.
Leber congenital amaurosis (LCA). Also called: Leber's amaurosis. Identifiers: Orphanet 65, MedGen C0339527, MeSH D057130, MONDO:0018998.

Submissions (7):

ClinGen Leber Congenital Amaurosis/early Onset Retinal Dystrophy Variant Curation Expert Panel, ClinGen
Classification: Pathogenic for RPE65-related recessive retinopathy. Last evaluated: 2023-12-22. Review status: reviewed by expert panel. Criteria: ClinGen LCAeoRD ACMG Specifications RPE65 V1.0.0. Collection method: curation. Allele origin: germline. Inheritance: Autosomal recessive inheritance.
Comment: NM_000329.3(RPE65):c.886dup (p.Arg296fs) is a frameshift variant that introduces a premature stop codon into exon 9 of 14, and is predicted to lead to nonsense-mediated decay in a gene in which loss-of-function is an established mechanism of disease (PVS1). At least 3 affected patients have been reported harboring this variant (PMID: 20683928, PMID: 28838317, PMID: 26906952). 1 affected patient harbors p.Arg296fs confirmed in trans with c.11+5G>A, which has been classified Pathogenic by this VCEP (PMID: 20683928, ClinVar ID: 98825, PM3), while a second affected patient harbors this variant in the homozygous state (PMID: 28838317). At least 1 of these patients harboring the variant exhibits an undetectable electroretinogram responses from rods (0.5 pts) and cones (1 pt) with infantile onset (1 pt), nystagmus (1 pt), and reduced visual acuity (1 pt), which together are specific for RPE65-related recessive retinopathy (4.5 pts total, PMID: 20683928, PP4). The GrpMax Filtering AF for this variant in gnomAD v2.1.1 is 0.00001082 in the South Asian population, which is lower than the ClinGen LCA/eoRD VCEP threshold (<0.0002) (PM2_Supporting). In summary, this variant meets the criteria to be classified as Pathogenic for RPE65-related recessive retinopathy based on the ACMG/AMP criteria applied, as specified by the ClinGen LCA/eoRD VCEP: PVS1, PM3, PP4, and PM2_Supporting. (VCEP specifications version 1.0.0; date of approval 09/21/2023).

Natera, Inc.
Classification: Pathogenic for Leber congenital amaurosis. Last evaluated: 2025-10-01. Review status: criteria provided, single submitter. Criteria: Natera Variant Classification Schema (03/2026). Collection method: clinical testing. Allele origin: germline. Not counted in ClinVar's aggregate classification.
Comment: The c.886dupA variant in RPE65 is a frameshift variant predicted to shift the reading frame beginning at codon 296 and leads to a stop codon 7 codons downstream. This variant is expected to result in nonsense mediated decay, truncation, or a dysfunctional protein product. This variant is rare in the general population with a frequency below the threshold expected for the associated phenotype(s). This variant has been observed in one or more individuals affected with the associated recessive disease, as either homozygous or compound heterozygous with a second variant (PMID: 20683928). Given the available evidence, this variant is classified as Pathogenic.

Labcorp Genetics (formerly Invitae), Labcorp
Classification: Pathogenic for Leber congenital amaurosis 2; Retinitis pigmentosa 20. Last evaluated: 2025-05-23. Review status: criteria provided, single submitter. Criteria: Invitae Variant Classification Sherloc (09022015). Collection method: clinical testing. Allele origin: germline. Not counted in ClinVar's aggregate classification.
Comment: This sequence change creates a premature translational stop signal (p.Arg296Lysfs*7) in the RPE65 gene. It is expected to result in an absent or disrupted protein product. Loss-of-function variants in RPE65 are known to be pathogenic (PMID: 9326941, 9501220, 9843205, 18632300). This variant is present in population databases (rs779023449, gnomAD 0.006%). This premature translational stop signal has been observed in individual(s) with retinal dystrophy (PMID: 20683928, 26906952, 28838317). ClinVar contains an entry for this variant (Variation ID: 1070755). For these reasons, this variant has been classified as Pathogenic.

Fulgent Genetics
Classification: Pathogenic for Leber congenital amaurosis 2; Retinitis pigmentosa 20; Retinitis pigmentosa 87 with choroidal involvement. Last evaluated: 2024-05-31. Review status: criteria provided, single submitter. Criteria: ACMG Guidelines, 2015. Collection method: clinical testing. Allele origin: germline. Not counted in ClinVar's aggregate classification.

Myriad Genetics, Inc.
Classification: Pathogenic for RPE65-related recessive retinopathy. Last evaluated: 2024-05-14. Review status: criteria provided, single submitter. Criteria: Myriad Autosomal Dominant, Autosomal Recessive and X-Linked Classification Criteria (2023). Collection method: clinical testing. Allele origin: unknown. Not counted in ClinVar's aggregate classification.
Comment: NM_000329.2(RPE65):c.886dupA(R296Kfs*7) is expected to be pathogenic in the context of inherited retinal dystrophy, RPE65-related. This variant is predicted to lead to an abnormal or absent protein product due to the creation of a premature termination codon in RPE65, a gene where loss-of-function variants are known to be pathogenic. Please note: this variant was assessed in the context of healthy population screening.

CeGaT Center for Human Genetics Tuebingen
Classification: Pathogenic. Last evaluated: 2024-01-01. Review status: criteria provided, single submitter. Criteria: CeGaT Center For Human Genetics Tuebingen Variant Classification Criteria Version 2. Collection method: clinical testing. Allele origin: germline. Affected: yes. Observed: 1 variant allele. Not counted in ClinVar's aggregate classification.
Comment: RPE65: PVS1, PM3:Strong, PM2

Blueprint Genetics
Classification: Pathogenic for RPE65-related disorders. Last evaluated: 2023-01-09. Review status: criteria provided, single submitter. Criteria: ACMG Guidelines, 2015. Collection method: clinical testing. Allele origin: germline. Affected: yes. Observed: 5 variant alleles. Not counted in ClinVar's aggregate classification.

Literature cited by the submitters: PubMed 20683928 (cited by Natera, Inc. and Labcorp Genetics (formerly Invitae), Labcorp); PubMed 9326941 (cited by Labcorp Genetics (formerly Invitae), Labcorp); PubMed 9501220 (cited by Labcorp Genetics (formerly Invitae), Labcorp); PubMed 9843205 (cited by Labcorp Genetics (formerly Invitae), Labcorp); PubMed 18632300 (cited by Labcorp Genetics (formerly Invitae), Labcorp); PubMed 26906952 (cited by Labcorp Genetics (formerly Invitae), Labcorp); PubMed 28838317 (cited by Labcorp Genetics (formerly Invitae), Labcorp).